The following is an entry in ClinVar:

NM_001378969.1(KCND3):c.1269+154C>T

Gene: KCND3 (potassium voltage-gated channel subfamily D member 3; minus strand). Cytogenetic location: 1p13.2.
Variant type: single nucleotide variant.
Coding change: c.1269+154C>T on transcript NM_001378969.1 (MANE Select); 154 bases into the intron after coding-DNA position 1269, C replaced by T.
Molecular consequence: intron variant.
Genome position (GRCh38, 1-based): chr1:111,786,790, G>A on the plus strand (C>T on the coding strand, the complement: KCND3 is on the minus strand). VCF-style: chr1-111786790-G-A. GRCh37 (hg19) VCF-style: chr1-112329412-G-A.
Other names: c.1269+154C>T (NM_001378970.1, NM_172198.3, NM_004980.5).
Identifiers: ClinVar variation 676339 (VCV000676339.1), dbSNP rs113354737, ClinGen allele CA28905056.

ClinVar aggregate classification (germline): Benign (1 of 4 stars; one submission).

Allele frequency attached by ClinVar (database versions not stated): TOPMed 0.01909; 1000 Genomes Project 30x 0.02342; 1000 Genomes Project 0.02456.
gnomAD v4.1: 2,760 of 152,216 alleles (1.8%); highest among the groups gnomAD compares: African/African-American, 6.2%; 79 homozygotes.

Submission:

GeneDx
Classification: Benign. Last evaluated: 2018-06-16. Review status: criteria provided, single submitter. Criteria: GeneDx Variant Classification (06012015). Collection method: clinical testing. Allele origin: germline. Affected: yes.
Comment: This variant is considered likely benign or benign based on one or more of the following criteria: it is a conservative change, it occurs at a poorly conserved position in the protein, it is predicted to be benign by multiple in silico algorithms, and/or has population frequency not consistent with disease.